The following is an entry in ClinVar:

ClinVar aggregate classification (germline): Pathogenic/Likely pathogenic. Review status: criteria provided, multiple submitters, no conflicts (2 of 4 stars). 3 submissions from 3 submitters: Pathogenic (2); Likely pathogenic (1). Last evaluated 2024-10-13.

Conditions:
Hereditary cancer-predisposing syndrome. Also called: Hereditary neoplastic syndrome; Tumor predisposition; Hereditary Cancer Syndrome; Neoplastic Syndromes, Hereditary. Identifiers: Orphanet 140162, MedGen C0027672, MeSH D009386, MONDO:0015356.
Familial cancer of breast. Also called: BREAST CANCER, FAMILIAL; hereditary breast carcinoma; Hereditary breast cancer. Identifiers: Orphanet 227535, MedGen C0346153, MONDO:0016419, OMIM 114480. Disease mechanism: loss of function.

Submissions (3):

Labcorp Genetics (formerly Invitae), Labcorp
Classification: Pathogenic for Familial cancer of breast. Last evaluated: 2024-10-13. Review status: criteria provided, single submitter. Criteria: Invitae Variant Classification Sherloc (09022015). Collection method: clinical testing. Allele origin: germline.
Comment: This sequence change creates a premature translational stop signal (p.Pro338Thrfs*4) in the PALB2 gene. It is expected to result in an absent or disrupted protein product. Loss-of-function variants in PALB2 are known to be pathogenic (PMID: 17200668, 17200671, 17200672, 24136930, 25099575). This variant is not present in population databases (gnomAD no frequency). This variant has not been reported in the literature in individuals affected with PALB2-related conditions. ClinVar contains an entry for this variant (Variation ID: 2583804). For these reasons, this variant has been classified as Pathogenic.

Illumina Laboratory Services, Illumina
Classification: Likely pathogenic for PALB2-related cancer susceptibility. Last evaluated: 2023-07-21. Review status: criteria provided, single submitter. Criteria: ICSLVariantClassificationCriteria RUGD 01 April 2020. Collection method: clinical testing. Allele origin: unknown.
Comment: The PALB2 c.1011dup (p.Pro338ThrfsTer4) variant causes a shift in the protein reading frame that is predicted to result in premature termination of the protein. Loss of normal protein function through either protein truncation or nonsense-mediated mRNA decay is expected. To our knowledge, this variant has not been reported in the peer-reviewed literature. This variant is not observed in version 2.1.1 or version 3.1.2 of the Genome Aggregation Database. Based on the available evidence, the c.1011dup (p.Pro338ThrfsTer4) variant is classified as likely pathogenic for PALB2-related cancer susceptibility.

Myriad Genetics, Inc.
Classification: Pathogenic for Familial cancer of breast. Last evaluated: 2023-04-27. Review status: criteria provided, single submitter. Criteria: Myriad Autosomal Dominant, Autosomal Recessive and X-Linked Classification Criteria (2023). Collection method: clinical testing. Allele origin: unknown.
Comment: This variant is considered pathogenic. This variant creates a frameshift predicted to result in premature protein truncation.

Literature cited by the submitters: PubMed 17200668 (cited by Labcorp Genetics (formerly Invitae), Labcorp); PubMed 17200671 (cited by Labcorp Genetics (formerly Invitae), Labcorp); PubMed 17200672 (cited by Labcorp Genetics (formerly Invitae), Labcorp); PubMed 24136930 (cited by Labcorp Genetics (formerly Invitae), Labcorp); PubMed 25099575 (cited by Labcorp Genetics (formerly Invitae), Labcorp).

NM_024675.4(PALB2):c.1011dup (p.Pro338fs)

Gene: PALB2 (partner and localizer of BRCA2; minus strand). Cytogenetic location: 16p12.2.
Variant type: Duplication.
Coding change: c.1011dup on transcript NM_024675.4 (MANE Select); coding-DNA position 1011, one base duplicated (A; older notation c.1011dupA).
Protein change: p.Pro338fs; shifts the reading frame from proline 338.
Molecular consequence: frameshift variant. On other transcripts: intron variant (3).
Genome position (GRCh38, 1-based): chr16:23,635,535, T duplicated on the plus strand (A on the coding strand, the reverse complement: PALB2 is on the minus strand). VCF-style (leftmost placement, unchanged base first): chr16-23635534-G-GT. GRCh37 (hg19) VCF-style: chr16-23646855-G-GT.
Other names: c.951dup, p.Pro318fs (NM_001407296.1); c.1011dup, p.Pro338fs (NM_001407297.1, NM_001407298.1, NM_001407299.1 and 3 more transcripts); c.126dup, p.Pro43fs (NM_001407304.1, NM_001407305.1, NM_001407306.1 and 5 more transcripts); c.48+5575dup (NM_001407314.1); c.-104-5066dup (NM_001407313.1, NM_001407312.1); short protein forms P318fs, P338fs, P43fs.
Identifiers: ClinVar variation 2583804 (VCV002583804.5), dbSNP rs2506492441, ClinGen allele CA2582342513.